The following is an entry in ClinVar:

NM_138694.4(PKHD1):c.3467C>T (p.Ser1156Leu)

Gene: PKHD1 (PKHD1 ciliary IPT domain containing fibrocystin/polyductin; minus strand). Cytogenetic location: 6p12.2.
Variant type: single nucleotide variant.
Coding change: c.3467C>T on transcript NM_138694.4 (MANE Select); coding-DNA position 3467, C replaced by T.
Protein change: p.Ser1156Leu; replaces serine 1156 with leucine.
Molecular consequence: missense variant.
Genome position (GRCh38, 1-based): chr6:52,028,249, G>A on the plus strand (C>T on the coding strand, the complement: PKHD1 is on the minus strand). VCF-style: chr6-52028249-G-A. GRCh37 (hg19) VCF-style: chr6-51893047-G-A.
Other names: c.3467C>T, p.Ser1156Leu (NM_170724.3); c.3467C>T (NM_170724.2); short protein forms S1156L.
Identifiers: ClinVar variation 636580 (VCV000636580.53), dbSNP rs367707903, ClinGen allele CA501158.

ClinVar aggregate classification (germline): Pathogenic/Likely pathogenic. Review status: criteria provided, multiple submitters, no conflicts (2 of 4 stars). 12 submissions from 12 submitters: Pathogenic (3); Likely pathogenic (8). 1 of the submissions does not count toward it. Last evaluated 2026-04-08.

Conditions:
Polycystic kidney disease 4 (PKD4). Also called: POLYCYSTIC KIDNEY AND HEPATIC DISEASE 1; POLYCYSTIC KIDNEY DISEASE, INFANTILE, TYPE I; POLYCYSTIC KIDNEY DISEASE 4 WITH OR WITHOUT POLYCYSTIC LIVER DISEASE; Autosomal Recessive Polycystic Kidney Disease – PKHD1; PKD3. Identifiers: MedGen C4540575, MONDO:0033004, OMIM 263200.
Biliary tract abnormality. Identifiers: MedGen C0549613, MONDO:0004868, HP:0001080.
PKHD1-related disorder. Also called: PKHD1-related condition.
Autosomal dominant polycystic liver disease. Also called: Polycystic liver disease; Congenital cystic disease of liver. Identifiers: Orphanet 2924, MedGen C0158683, MONDO:0000447, HP:0006557.
Autosomal recessive polycystic kidney disease (ARPKD). Also called: AR polycystic kidney disease. Identifiers: Orphanet 731, Orphanet 8378, MedGen C0085548, MeSH D017044, MONDO:0009889.

Allele frequency attached by ClinVar (database versions not stated): gnomAD exomes 0.00003 and 0.00012; gnomAD 0.00004 and 0.00003; ExAC 0.00003; ESP Exome Variant Server 0.00008; TOPMed 0.00003.
gnomAD v4.1: 173 of 1,614,032 alleles (0.011%); highest among the groups gnomAD compares: Non-Finnish European, 0.014%; no homozygotes.

Submissions (12):

GeneDx
Classification: Likely pathogenic. Last evaluated: 2026-04-08. Review status: criteria provided, single submitter. Criteria: GeneDx Variant Classification Process June 2021. Collection method: clinical testing. Allele origin: germline.
Comment: Not observed at significant frequency in large population cohorts (gnomAD); In silico analysis suggests that this missense variant does not alter protein structure/function; This variant is associated with the following publications: (PMID: 34426522, 15698423, 39473742, 34536170, 33437033, 35812281, 33426401, 33940108, 27752906, 27225849, 20413436, 19914852, 16199545, 39243181, 39019822)

Natera, Inc.
Classification: Likely pathogenic for Autosomal recessive polycystic kidney disease. Last evaluated: 2025-11-13. Review status: criteria provided, single submitter. Criteria: Natera Variant Classification Schema (03/2026). Collection method: clinical testing. Allele origin: germline.
Comment: The c.3467C>T variant in PKHD1 is a missense variant predicted to cause substitution of serine to leucine at amino acid 1156. This variant is rare in the general population with a frequency below the threshold expected for the associated phenotype(s). This variant has been observed in one or more individuals affected with the associated recessive disease, as either homozygous or compound heterozygous with a second variant (PMID: 39019822, 34536170, 33426401, 20413436). Multiple computational prediction algorithms suggest this variant is unlikely to affect gene or protein function. Given the available evidence, this variant is classified as Likely Pathogenic.

Fulgent Genetics
Classification: Likely pathogenic for Polycystic kidney disease 4. Last evaluated: 2024-05-15. Review status: criteria provided, single submitter. Criteria: ACMG Guidelines, 2015. Collection method: clinical testing. Allele origin: germline.

Labcorp Genetics (formerly Invitae), Labcorp
Classification: Pathogenic for Autosomal recessive polycystic kidney disease. Last evaluated: 2024-02-19. Review status: criteria provided, single submitter. Criteria: Invitae Variant Classification Sherloc (09022015). Collection method: clinical testing. Allele origin: germline.
Comment: This sequence change replaces serine, which is neutral and polar, with leucine, which is neutral and non-polar, at codon 1156 of the PKHD1 protein (p.Ser1156Leu). This variant is present in population databases (rs367707903, gnomAD 0.006%). This missense change has been observed in individual(s) with autosomal recessive polycystic kidney disease (PMID: 16199545, 20413436, 27225849, 33437033). In at least one individual the data is consistent with being in trans (on the opposite chromosome) from a pathogenic variant. ClinVar contains an entry for this variant (Variation ID: 636580). Advanced modeling of protein sequence and biophysical properties (such as structural, functional, and spatial information, amino acid conservation, physicochemical variation, residue mobility, and thermodynamic stability) performed at Invitae indicates that this missense variant is not expected to disrupt PKHD1 protein function with a negative predictive value of 95%. For these reasons, this variant has been classified as Pathogenic.

PreventionGenetics, part of Exact Sciences
Classification: Likely pathogenic for PKHD1-related condition. Last evaluated: 2023-05-01. Review status: criteria provided, single submitter. Criteria: ACMG Guidelines, 2015. Collection method: clinical testing. Allele origin: germline.
Comment: The PKHD1 c.3467C>T variant is predicted to result in the amino acid substitution p.Ser1156Leu. This variant has been reported in many individuals with autosomal recessive polycystic kidney disease (Bergmann et al 2005. PubMed ID: 15698423; Gunay-Aygun M et al 2009. PubMed ID: 19914852; Melchionda S et al 2016. PubMed ID: 27225849; Tong YQ et al 2016. PubMed ID: 27752906; Gately R et al 2020. PubMed ID: 33426401; Mallawaarachchi AC et al 2021. PubMed ID: 33437033; Burgmaier K et al 2021. PubMed ID: 33940108). This variant is reported in 0.0062% of alleles in individuals of European (Non-Finnish) descent in gnomAD. This variant is interpreted as likely pathogenic.

Mendelics
Classification: Pathogenic for Polycystic kidney disease 4. Last evaluated: 2022-05-04. Review status: criteria provided, single submitter. Criteria: Mendelics Assertion Criteria 2019. Collection method: clinical testing. Allele origin: germline.

Myriad Genetics, Inc.
Classification: Likely pathogenic for Polycystic kidney disease 4. Last evaluated: 2021-11-01. Review status: criteria provided, single submitter. Criteria: Myriad Women's Health Autosomal Recessive and X-Linked Classification Criteria (2021). Collection method: clinical testing. Allele origin: unknown.
Comment: NM_138694.3(PKHD1):c.3467C>T(S1156L) is a missense variant classified as likely pathogenic in the context of autosomal recessive polycystic kidney disease, PKHD1-related. S1156L has been observed in cases with relevant disease (PMID: 27225849, 27752906, 15698423, 19914852, 33940108, 33426401). Functional assessments of this variant are not available in the literature. S1156L has been observed in population frequency databases (gnomAD: NFE 0.01%). In summary, NM_138694.3(PKHD1):c.3467C>T(S1156L) is a missense variant that has been observed more frequently in cases with the relevant disease than in healthy populations. Please note: this variant was assessed in the context of healthy population screening.

Blueprint Genetics
Classification: Pathogenic for PKHD1-related disorders. Last evaluated: 2020-08-10. Review status: criteria provided, single submitter. Criteria: ACMG Guidelines, 2015. Collection method: clinical testing. Allele origin: germline. Affected: yes. Observed: 4 variant alleles.

Cambridge Genomics Laboratory, East Genomic Laboratory Hub, NHS Genomic Medicine Service
Classification: Likely pathogenic for Biliary tract abnormality. Last evaluated: 2020-05-11. Review status: criteria provided, single submitter. Criteria: ACGS Best Practice Guidelines for Variant Classification in Rare Disease 2020. Collection method: clinical testing. Allele origin: germline. Affected: yes. Observed: 1 variant allele.

Molecular Genetics of Inherited Kidney Disorders Laboratory, Garvan Institute of Medical Research
Classification: Likely pathogenic. Last evaluated: 2019-01-01. Review status: criteria provided, single submitter. Criteria: ACMG Guidelines, 2015. Collection method: clinical testing. Allele origin: germline. Affected: yes.

Baylor Genetics
Classification: Likely pathogenic for Polycystic kidney disease 4. Review status: criteria provided, single submitter. Criteria: ACMG Guidelines, 2015. Collection method: clinical testing. Allele origin: germline.

Laboratory of Gastroenterology and Hepatology, Radboud University Medical Center
Classification: Uncertain significance for Autosomal dominant polycystic liver disease. Last evaluated: 2021-09-01. Review status: no assertion criteria provided. Collection method: research. Allele origin: germline. Affected: yes. Not counted in ClinVar's aggregate classification.

Literature cited by the submitters: PubMed 39019822 (cited by Natera, Inc.); PubMed 34536170 (cited by Natera, Inc.); PubMed 33426401 (cited by Natera, Inc. and Myriad Genetics, Inc.); PubMed 20413436 (cited by Natera, Inc. and Labcorp Genetics (formerly Invitae), Labcorp); PubMed 16199545 (cited by Labcorp Genetics (formerly Invitae), Labcorp); PubMed 27225849 (cited by Labcorp Genetics (formerly Invitae), Labcorp and Myriad Genetics, Inc.); PubMed 33437033 (cited by Labcorp Genetics (formerly Invitae), Labcorp); PubMed 15698423 (cited by Myriad Genetics, Inc.); PubMed 27752906 (cited by Myriad Genetics, Inc.); PubMed 19914852 (cited by Myriad Genetics, Inc.); PubMed 33940108 (cited by Myriad Genetics, Inc.).